The following is an entry in ClinVar:

NM_201384.3(PLEC):c.759C>T (p.Thr253=)

Gene: PLEC (plectin; minus strand). Cytogenetic location: 8q24.3.
Variant type: single nucleotide variant.
Coding change: c.759C>T on transcript NM_201384.3 (MANE Select); coding-DNA position 759, C replaced by T.
Protein change: p.Thr253=; no amino-acid change (threonine 253 retained).
Molecular consequence: synonymous variant.
Genome position (GRCh38, 1-based): chr8:143,935,077, G>A on the plus strand (C>T on the coding strand, the complement: PLEC is on the minus strand). VCF-style: chr8-143935077-G-A. GRCh37 (hg19) VCF-style: chr8-145009245-G-A.
Other names: p.Thr239=; c.840C>T, p.Thr280= (NM_000445.5); c.717C>T, p.Thr239= (NM_201378.4); c.693C>T, p.Thr231= (NM_201379.3); c.1170C>T, p.Thr390= (NM_201380.4); c.663C>T, p.Thr221= (NM_201381.3); c.759C>T, p.Thr253= (NM_201382.4); c.771C>T, p.Thr257= (NM_201383.3).
Identifiers: ClinVar variation 471658 (VCV000471658.16), dbSNP rs377118309, ClinGen allele CA4928325.

ClinVar aggregate classification (germline): Conflicting classifications of pathogenicity. Review status: criteria provided, conflicting classifications (1 of 4 stars). 4 submissions from 4 submitters: Uncertain significance (1); Likely benign (2). 1 of the submissions does not count toward it. Last evaluated 2025-12-10.

Conditions:
Epidermolysis bullosa simplex 5C, with pyloric atresia (EBS5C). Also called: PLEC1-Related Epidermolysis Bullosa with Pyloric Atresia; PLEC-Related Epidermolysis Bullosa with Pyloric Atresia; Epidermolysis bullosa simplex with pyloric atresia. Identifiers: Orphanet 158684, MedGen C2677349, MONDO:0012807, OMIM 612138.
Epidermolysis bullosa simplex 5B, with muscular dystrophy (EBS5B). Also called: Epidermolysis bullosa simplex with muscular dystrophy; EPIDERMOLYSIS BULLOSA SIMPLEX AND LIMB-GIRDLE MUSCULAR DYSTROPHY. Identifiers: Orphanet 257, MedGen C2931072, MONDO:0009181, OMIM 226670.
Autosomal recessive limb-girdle muscular dystrophy type 2Q (LGMDR17). Also called: MUSCULAR DYSTROPHY, LIMB-GIRDLE, AUTOSOMAL RECESSIVE 17. Identifiers: Orphanet 254361, MedGen C3150989, MONDO:0013390, OMIM 613723.
Epidermolysis bullosa simplex with nail dystrophy (EBS5D). Identifiers: MedGen C4225309, MONDO:0014661, OMIM 616487.
Epidermolysis bullosa simplex, Ogna type (EBS5A). Also called: Pidermolysis bullosa simplex 5A, Ogna type; EPIDERMOLYSIS BULLOSA SIMPLEX 5A, OGNA TYPE. Identifiers: Orphanet 79401, MedGen C0432317, MONDO:0007555, OMIM 131950.
PLEC-related disorder. Also called: PLEC-related condition; PLEC-related disorders.

Allele frequency attached by ClinVar (database versions not stated): gnomAD exomes 0.00004 and 0.00010; ExAC 0.00012; gnomAD 0.00038 and 0.00045; TOPMed 0.00046; ESP Exome Variant Server 0.00062.
gnomAD v4.1: 120 of 1,612,868 alleles (0.0074%); highest among the groups gnomAD compares: African/African-American, 0.14%; no homozygotes.

Submissions (4):

Labcorp Genetics (formerly Invitae), Labcorp
Classification: Likely benign for Autosomal recessive limb-girdle muscular dystrophy type 2Q; Epidermolysis bullosa simplex, Ogna type; Epidermolysis bullosa simplex with nail dystrophy; Epidermolysis bullosa simplex 5C, with pyloric atresia; Epidermolysis bullosa simplex 5B, with muscular dystrophy. Last evaluated: 2025-12-10. Review status: criteria provided, single submitter. Criteria: Invitae Variant Classification Sherloc (09022015). Collection method: clinical testing. Allele origin: germline.

Mayo Clinic Laboratories, Mayo Clinic
Classification: Likely benign. Last evaluated: 2025-06-12. Review status: criteria provided, single submitter. Criteria: ACMG Guidelines, 2015. Collection method: clinical testing. Allele origin: germline. Observed: 2 variant alleles.
Comment: BS1, BP4, BP7

Eurofins Ntd Llc (ga)
Classification: Uncertain significance. Last evaluated: 2017-07-14. Review status: criteria provided, single submitter. Criteria: EGL Classification Definitions 2015. Collection method: clinical testing. Allele origin: germline. Observed: 5 variant alleles, 5 heterozygotes.

PreventionGenetics, part of Exact Sciences
Classification: Likely benign for PLEC-related condition. Last evaluated: 2024-03-24. Review status: no assertion criteria provided. Collection method: clinical testing. Allele origin: germline. Not counted in ClinVar's aggregate classification.
Comment: This variant is classified as likely benign based on ACMG/AMP sequence variant interpretation guidelines (Richards et al. 2015 PMID: 25741868, with internal and published modifications).